The following is an entry in ClinVar:

ClinVar aggregate classification (germline): Uncertain significance (1 of 4 stars; one submission).

Conditions:
Dyskeratosis congenita. Identifiers: Orphanet 1775, MedGen C0265965, MONDO:0015780.

Allele frequency attached by ClinVar (database versions not stated): gnomAD 0.00001.
gnomAD v4.1: 1 of 1,614,094 alleles (0.000062%); highest among the groups gnomAD compares: African/African-American, 0.0013%; no homozygotes.

Submission:

Labcorp Genetics (formerly Invitae), Labcorp
Classification: Uncertain significance for Dyskeratosis congenita. Last evaluated: 2023-01-19. Review status: criteria provided, single submitter. Criteria: Invitae Variant Classification Sherloc (09022015). Collection method: clinical testing. Allele origin: germline.
Comment: This variant is present in population databases (no rsID available, gnomAD 0.01%). This sequence change replaces glutamic acid, which is acidic and polar, with glycine, which is neutral and non-polar, at codon 427 of the TINF2 protein (p.Glu427Gly). This variant has not been reported in the literature in individuals affected with TINF2-related conditions. In summary, the available evidence is currently insufficient to determine the role of this variant in disease. Therefore, it has been classified as a Variant of Uncertain Significance. Algorithms developed to predict the effect of missense changes on protein structure and function are either unavailable or do not agree on the potential impact of this missense change (SIFT: "Deleterious"; PolyPhen-2: "Possibly Damaging"; Align-GVGD: "Class C0").

NM_001099274.3(TINF2):c.1280A>G (p.Glu427Gly)

Gene: TINF2 (TERF1 interacting nuclear factor 2; minus strand). Cytogenetic location: 14q12.
Variant type: single nucleotide variant.
Coding change: c.1280A>G on transcript NM_001099274.3 (MANE Select); coding-DNA position 1280, A replaced by G.
Protein change: p.Glu427Gly; replaces glutamic acid 427 with glycine.
Molecular consequence: missense variant. On other transcripts: 3 prime UTR variant (1).
Genome position (GRCh38, 1-based): chr14:24,239,873, T>C on the plus strand (A>G on the coding strand, the complement: TINF2 is on the minus strand). VCF-style: chr14-24239873-T-C. GRCh37 (hg19) VCF-style: chr14-24709079-T-C.
Other names: c.1175A>G, p.Glu392Gly (NM_001363668.2); c.*542A>G (NM_012461.3); short protein forms E427G, E392G.
Identifiers: ClinVar variation 2190590 (VCV002190590.4), dbSNP rs1364080800, ClinGen allele CA389219880.